The following is an entry in ClinVar:

ClinVar aggregate classification (germline): Uncertain significance (1 of 4 stars; one submission).

Conditions:
Schuurs-Hoeijmakers syndrome. Also called: PACS1-Related Neurodevelopmental Disorder. Identifiers: Orphanet 329224, MedGen C3554343, MONDO:0014006, OMIM 615009.

Allele frequency attached by ClinVar (database versions not stated): gnomAD exomes below 0.00001.
gnomAD v4.1: 4 of 1,610,310 alleles (0.00025%); highest among the groups gnomAD compares: Non-Finnish European, 0.00034%; no homozygotes.

Submission:

Labcorp Genetics (formerly Invitae), Labcorp
Classification: Uncertain significance for Schuurs-Hoeijmakers syndrome. Last evaluated: 2021-12-28. Review status: criteria provided, single submitter. Criteria: Invitae Variant Classification Sherloc (09022015). Collection method: clinical testing. Allele origin: germline.
Comment: This sequence change falls in intron 7 of the PACS1 gene. It does not directly change the encoded amino acid sequence of the PACS1 protein. It affects a nucleotide within the consensus splice site. In summary, the available evidence is currently insufficient to determine the role of this variant in disease. Therefore, it has been classified as a Variant of Uncertain Significance. Variants that disrupt the consensus splice site are a relatively common cause of aberrant splicing (PMID: 17576681, 9536098). Algorithms developed to predict the effect of sequence changes on RNA splicing suggest that this variant is not likely to affect RNA splicing. This variant has not been reported in the literature in individuals affected with PACS1-related conditions. This variant is not present in population databases (gnomAD no frequency).

Literature cited by the submitters: PubMed 17576681; PubMed 9536098.

NM_018026.4(PACS1):c.978+6C>T

Gene: PACS1 (phosphofurin acidic cluster sorting protein 1; plus strand). Cytogenetic location: 11q13.2.
Variant type: single nucleotide variant.
Coding change: c.978+6C>T on transcript NM_018026.4 (MANE Select); 6 bases into the intron after coding-DNA position 978, C replaced by T.
Molecular consequence: intron variant.
Genome position (GRCh38, 1-based): chr11:66,216,781, C>T. VCF-style: chr11-66216781-C-T. GRCh37 (hg19) VCF-style: chr11-65984252-C-T.
Identifiers: ClinVar variation 2064100 (VCV002064100.4), dbSNP rs2495551689, ClinGen allele CA2580084526.